The following is an entry in ClinVar:

NM_001377458.1(CLCC1):c.19C>T (p.Leu7Phe)

Gene: CLCC1 (chloride channel CLIC like 1; minus strand). Cytogenetic location: 1p13.3.
Variant type: single nucleotide variant.
Coding change: c.19C>T on transcript NM_001377458.1 (MANE Select); coding-DNA position 19, C replaced by T.
Protein change: p.Leu7Phe; replaces leucine 7 with phenylalanine.
Molecular consequence: missense variant. On other transcripts: 5 prime UTR variant (1), non-coding transcript variant (1).
Genome position (GRCh38, 1-based): chr1:108,950,419, G>A on the plus strand (C>T on the coding strand, the complement: CLCC1 is on the minus strand). VCF-style: chr1-108950419-G-A. GRCh37 (hg19) VCF-style: chr1-109493041-G-A.
Other names: c.19C>T, p.Leu7Phe (NM_001048210.3, NM_001278202.2, NM_001278203.1 and 12 more transcripts); c.-444C>T (NM_001377470.1); short protein forms L7F.
Identifiers: ClinVar variation 1521264 (VCV001521264.8), dbSNP rs747500013, ClinGen allele CA983694.

ClinVar aggregate classification (germline): Uncertain significance (1 of 4 stars; one submission).

Allele frequency attached by ClinVar (database versions not stated): gnomAD exomes below 0.00001; ExAC 0.00001.

Submission:

Labcorp Genetics (formerly Invitae), Labcorp
Classification: Uncertain significance. Last evaluated: 2021-03-29. Review status: criteria provided, single submitter. Criteria: Invitae Variant Classification Sherloc (09022015). Collection method: clinical testing. Allele origin: germline.
Comment: This sequence change replaces leucine with phenylalanine at codon 7 of the CLCC1 protein (p.Leu7Phe). The leucine residue is highly conserved and there is a small physicochemical difference between leucine and phenylalanine. This variant is present in population databases (rs747500013, ExAC 0.009%). This variant has not been reported in the literature in individuals with CLCC1-related conditions. Algorithms developed to predict the effect of missense changes on protein structure and function output the following: SIFT: "Deleterious"; PolyPhen-2: "Not Available"; Align-GVGD: "Class C0". The phenylalanine amino acid residue is found in multiple mammalian species, suggesting that this missense change does not adversely affect protein function. These predictions have not been confirmed by published functional studies and their clinical significance is uncertain. In summary, the available evidence is currently insufficient to determine the role of this variant in disease. Therefore, it has been classified as a Variant of Uncertain Significance.